The following is an entry in ClinVar:

NM_001286445.3(RIPOR2):c.3113G>A (p.Arg1038His)

Gene: RIPOR2 (RHO family interacting cell polarization regulator 2; minus strand). Cytogenetic location: 6p22.3.
Variant type: single nucleotide variant.
Coding change: c.3113G>A on transcript NM_001286445.3 (MANE Select); coding-DNA position 3113, G replaced by A.
Protein change: p.Arg1038His; replaces arginine 1038 with histidine.
Molecular consequence: missense variant.
Genome position (GRCh38, 1-based): chr6:24,806,404, C>T on the plus strand (G>A on the coding strand, the complement: RIPOR2 is on the minus strand). VCF-style: chr6-24806404-C-T. GRCh37 (hg19) VCF-style: chr6-24806632-C-T.
Other names: c.3026G>A, p.Arg1009His (NM_001346031.2, NM_001346032.2); c.3176G>A, p.Arg1059His (NM_014722.5); short protein forms R1009H, R1038H, R1059H.
Identifiers: ClinVar variation 4799601 (VCV004799601.1).

ClinVar aggregate classification (germline): Uncertain significance (1 of 4 stars; one submission).

gnomAD v4.1: 67 of 1,551,270 alleles (0.0043%); highest among the groups gnomAD compares: East Asian, 0.088%; no homozygotes.

Submission:

Labcorp Genetics (formerly Invitae), Labcorp
Classification: Uncertain significance. Last evaluated: 2025-07-09. Review status: criteria provided, single submitter. Criteria: Invitae Variant Classification Sherloc (09022015). Collection method: clinical testing. Allele origin: germline.
Comment: This sequence change replaces arginine, which is basic and polar, with histidine, which is basic and polar, at codon 1059 of the FAM65B protein (p.Arg1059His). This variant is present in population databases (rs753906236, gnomAD 0.02%). This variant has not been reported in the literature in individuals affected with FAM65B-related conditions. An algorithm developed to predict the effect of missense changes on protein structure and function outputs the following: PolyPhen-2: "Benign". The histidine amino acid residue is found in multiple mammalian species, which suggests that this missense change does not adversely affect protein function. In summary, the available evidence is currently insufficient to determine the role of this variant in disease. Therefore, it has been classified as a Variant of Uncertain Significance.